The following is an entry in ClinVar:

NM_005026.5(PIK3CD):c.236_237del (p.Gln79fs)

Gene: PIK3CD (phosphatidylinositol-4,5-bisphosphate 3-kinase catalytic subunit delta; plus strand). Cytogenetic location: 1p36.22.
Variant type: Deletion.
Coding change: c.236_237del on transcript NM_005026.5 (MANE Select); coding-DNA positions 236 to 237, 2 bases deleted (AG; older notation c.236_237delAG).
Protein change: p.Gln79fs; shifts the reading frame from glutamine 79.
Molecular consequence: frameshift variant.
Genome position (GRCh38, 1-based): chr1:9,715,635-9,715,636, AG deleted. VCF-style (leftmost placement, unchanged base first): chr1-9715634-CAG-C. GRCh37 (hg19) VCF-style: chr1-9775692-CAG-C.
Other names: c.236_237del (LRG_191t1); c.236_237del, p.Gln79fs (NM_001350234.2, NM_001350235.1); short protein forms Q79fs.
Identifiers: ClinVar variation 541084 (VCV000541084.8), dbSNP rs1553168726, ClinGen allele CA658795389.

ClinVar aggregate classification (germline): Pathogenic (1 of 4 stars; one submission).

Conditions:
Immunodeficiency 14 (IMD14A). Also called: IMMUNODEFICIENCY 14A WITH LYMPHOPROLIFERATION, AUTOSOMAL DOMINANT; Activated PI3K Delta Syndrome Type 1 (APDS1); p110-DELTA-ACTIVATING MUTATION CAUSING SENESCENT T CELLS, LYMPHADENOPATHY, AND IMMUNODEFICIENCY; ACTIVATED PI3K-DELTA SYNDROME 1. Identifiers: Orphanet 397596, Orphanet 693661, MedGen C5907821, MONDO:0014222, OMIM 615513.

Submission:

Labcorp Genetics (formerly Invitae), Labcorp
Classification: Pathogenic for Activated PI3K-delta syndrome. Last evaluated: 2025-07-07. Review status: criteria provided, single submitter. Criteria: Invitae Variant Classification Sherloc (09022015). Collection method: clinical testing. Allele origin: germline.
Comment: This sequence change creates a premature translational stop signal (p.Gln79Profs*12) in the PIK3CD gene. It is expected to result in an absent or disrupted protein product. Loss-of-function variants in PIK3CD are known to be pathogenic (PMID: 30040974, 31073077). This variant is not present in population databases (gnomAD no frequency). This variant has not been reported in the literature in individuals affected with PIK3CD-related conditions. ClinVar contains an entry for this variant (Variation ID: 541084). For these reasons, this variant has been classified as Pathogenic.

Literature cited by the submitters: PubMed 30040974; PubMed 31073077.